The following is an entry in ClinVar:

ClinVar aggregate classification (germline): Uncertain significance (1 of 4 stars; one submission).

Conditions:
Vici syndrome (VICIS). Identifiers: Orphanet 1493, MedGen C1855772, MONDO:0009452, OMIM 242840.

Submission:

Labcorp Genetics (formerly Invitae), Labcorp
Classification: Uncertain significance for Vici syndrome. Last evaluated: 2025-03-28. Review status: criteria provided, single submitter. Criteria: Invitae Variant Classification Sherloc (09022015). Collection method: clinical testing. Allele origin: germline.
Comment: This sequence change replaces asparagine, which is neutral and polar, with histidine, which is basic and polar, at codon 1638 of the EPG5 protein (p.Asn1638His). This variant is not present in population databases (gnomAD no frequency). This variant has not been reported in the literature in individuals affected with EPG5-related conditions. Invitae Evidence Modeling of protein sequence and biophysical properties (such as structural, functional, and spatial information, amino acid conservation, physicochemical variation, residue mobility, and thermodynamic stability) indicates that this missense variant is not expected to disrupt EPG5 protein function with a negative predictive value of 80%. In summary, the available evidence is currently insufficient to determine the role of this variant in disease. Therefore, it has been classified as a Variant of Uncertain Significance.

NM_020964.3(EPG5):c.4912A>C (p.Asn1638His)

Gene: EPG5 (ectopic P-granules 5 autophagy tethering factor; minus strand). Cytogenetic location: 18q12.3.
Variant type: single nucleotide variant.
Coding change: c.4912A>C on transcript NM_020964.3 (MANE Select); coding-DNA position 4912, A replaced by C.
Protein change: p.Asn1638His; replaces asparagine 1638 with histidine.
Molecular consequence: missense variant.
Genome position (GRCh38, 1-based): chr18:45,889,838, T>G on the plus strand (A>C on the coding strand, the complement: EPG5 is on the minus strand). VCF-style: chr18-45889838-T-G. GRCh37 (hg19) VCF-style: chr18-43469803-T-G.
Other names: c.4912A>C, p.Asn1638His (NM_001410858.1, NM_001410859.1); short protein forms N1638H.
Identifiers: ClinVar variation 4745396 (VCV004745396.1).